The following is an entry in ClinVar:

ClinVar aggregate classification (germline): Pathogenic (1 of 4 stars; one submission).

Conditions:
Amelocerebrohypohidrotic syndrome (KTZS). Also called: Kohlschutter's syndrome; EPILEPSY AND YELLOW TEETH; EPILEPSY, DEMENTIA, AND AMELOGENESIS IMPERFECTA; KOHLSCHUTTER SYNDROME. Identifiers: Orphanet 1946, MedGen C0406740, MONDO:0009185, OMIM 226750.

Submission:

Labcorp Genetics (formerly Invitae), Labcorp
Classification: Pathogenic for Amelocerebrohypohidrotic syndrome. Last evaluated: 2024-07-15. Review status: criteria provided, single submitter. Criteria: Invitae Variant Classification Sherloc (09022015). Collection method: clinical testing. Allele origin: germline.
Comment: This sequence change creates a premature translational stop signal (p.Arg218Alafs*24) in the ROGDI gene. It is expected to result in an absent or disrupted protein product. Loss-of-function variants in ROGDI are known to be pathogenic (PMID: 22424600, 23086778). This variant is not present in population databases (gnomAD no frequency). This variant has not been reported in the literature in individuals affected with ROGDI-related conditions. For these reasons, this variant has been classified as Pathogenic.

Literature cited by the submitters: PubMed 22424600; PubMed 23086778.

NM_024589.3(ROGDI):c.652del (p.Arg218fs)

Gene: ROGDI (rogdi atypical leucine zipper; minus strand). Cytogenetic location: 16p13.3.
Variant type: Deletion.
Coding change: c.652del on transcript NM_024589.3 (MANE Select); coding-DNA position 652, one base deleted (C; older notation c.652delC).
Protein change: p.Arg218fs; shifts the reading frame from arginine 218.
Molecular consequence: frameshift variant. On other transcripts: non-coding transcript variant (1).
Genome position (GRCh38, 1-based): chr16:4,797,981, G deleted on the plus strand (C on the coding strand, the reverse complement: ROGDI is on the minus strand); the first of 2 consecutive G bases (chr16:4,797,981-4,797,982); deleting either gives the same sequence. VCF-style (leftmost placement, unchanged base first): chr16-4797980-CG-C. GRCh37 (hg19) VCF-style: chr16-4847981-CG-C.
Other names: short protein forms R218fs.
Identifiers: ClinVar variation 3606336 (VCV003606336.2).